The following is an entry in ClinVar:

ClinVar aggregate classification (germline): Likely pathogenic (1 of 4 stars; one submission).

Conditions:
Fabry disease. Also called: Fabry's disease; ALPHA-GALACTOSIDASE A DEFICIENCY; ANDERSON-FABRY DISEASE; CERAMIDE TRIHEXOSIDASE DEFICIENCY; GLA DEFICIENCY; HEREDITARY DYSTOPIC LIPIDOSIS. Identifiers: Orphanet 324, MedGen C0002986, MONDO:0010526, OMIM 301500, HP:0001071. Disease mechanism: Fabry disease is due to inactivating mutations in the X-linked GLA gene resulting in deficiency of the enzyme Alpha Galactosidase-A., loss of function.

Submission:

Genomenon, Inc
Classification: Likely pathogenic for Fabry disease. Last evaluated: 2026-09-08. Review status: criteria provided, single submitter. Criteria: Genomenon Sequence Variant Interpretation Standards - Updated. Collection method: curation. Allele origin: germline. Affected: yes.
Comment: GLA p.Trp236Ser (c.707G>C) is a missense variant that changes the amino acid at codon 236 from Tryptophan to Serine. This variant has been observed in at least one proband with clinical features consistent with Fabry disease (PMID:30477121). This variant is located in a mutational hotspot and/or important functional domain. It is absent or not present at a significant frequency in gnomAD. In silico models predict that this variant is possibly or probably damaging. In conclusion, we classify GLA p.Trp236Ser (c.707G>C) as a likely pathogenic variant.

Literature cited by the submitters: PubMed 30477121.

NM_000169.3(GLA):c.707G>C (p.Trp236Ser)

Genes: GLA (galactosidase alpha; minus strand), RPL36A-HNRNPH2 (RPL36A-HNRNPH2 readthrough; plus strand). Cytogenetic location: Xq22.1.
Variant type: single nucleotide variant.
Coding change: c.707G>C on transcript NM_000169.3 (MANE Select); coding-DNA position 707, G replaced by C.
Protein change: p.Trp236Ser; replaces tryptophan 236 with serine.
Molecular consequence: missense variant. On other transcripts: non-coding transcript variant (3), intron variant (2).
Genome position (GRCh38, 1-based): chrX:101,398,879, C>G on the plus strand (G>C on the coding strand, the complement: GLA is on the minus strand). VCF-style: chrX-101398879-C-G. GRCh37 (hg19) VCF-style: chrX-100653867-C-G.
Other names: c.830G>C, p.Trp277Ser (NM_001406747.1); c.707G>C, p.Trp236Ser (NM_001406748.1); c.300+3422C>G (NM_001199973.2); c.177+7057C>G (NM_001199974.2); short protein forms W236S, W277S.
Identifiers: ClinVar variation 4974913 (VCV004974913.1).
Genomic context (GRCh38, chrX:101,398,879, plus strand): 5'-ACATCAACAATTCTCTCCTGGTTAAAAGATGTCCAGTCCAAGATACTCTTTATACTTTTC[C>G]AGGAATCATCAATGTCAGCAAAATTTCGCCAGTGATTGCAGTACTGTCGGATTTCTGTAT-3'
Protein context (NP_000160.1, residues 226-246): WRNFADIDDS[Trp236Ser]KSIKSILDWT